The following is an entry in ClinVar:

NM_001384732.1(CPLANE1):c.3189T>C (p.Thr1063=)

Gene: CPLANE1 (ciliogenesis and planar polarity effector complex subunit 1; minus strand). Cytogenetic location: 5p13.2.
Variant type: single nucleotide variant.
Coding change: c.3189T>C on transcript NM_001384732.1 (MANE Select); coding-DNA position 3189, T replaced by C.
Protein change: p.Thr1063=; no amino-acid change (threonine 1063 retained).
Molecular consequence: synonymous variant.
Genome position (GRCh38, 1-based): chr5:37,205,415, A>G on the plus strand (T>C on the coding strand, the complement: CPLANE1 is on the minus strand). VCF-style: chr5-37205415-A-G. GRCh37 (hg19) VCF-style: chr5-37205517-A-G.
Other names: c.3189T>C, p.Thr1063= (NM_023073.4).
Identifiers: ClinVar variation 4823642 (VCV004823642.4).

ClinVar aggregate classification (germline): Likely benign (1 of 4 stars; one submission).

gnomAD v4.1: 1 of 1,549,430 alleles (0.000065%); highest among the groups gnomAD compares: Admixed American, 0.002%; no homozygotes.

Submission:

CeGaT Center for Human Genetics Tuebingen
Classification: Likely benign. Last evaluated: 2026-03-01. Review status: criteria provided, single submitter. Criteria: CeGaT Center For Human Genetics Tuebingen Variant Classification Criteria Version 2. Collection method: clinical testing. Allele origin: germline. Affected: yes. Observed: 1 variant allele.
Comment: CPLANE1: BP4, BP7